The following is an entry in ClinVar:

NM_025179.4(PLXNA2):c.3966G>T (p.Met1322Ile)

Gene: PLXNA2 (plexin A2; minus strand). Cytogenetic location: 1q32.2.
Variant type: single nucleotide variant.
Coding change: c.3966G>T on transcript NM_025179.4 (MANE Select); coding-DNA position 3966, G replaced by T.
Protein change: p.Met1322Ile; replaces methionine 1322 with isoleucine.
Molecular consequence: missense variant.
Genome position (GRCh38, 1-based): chr1:208,043,112, C>A on the plus strand (G>T on the coding strand, the complement: PLXNA2 is on the minus strand). VCF-style: chr1-208043112-C-A. GRCh37 (hg19) VCF-style: chr1-208216457-C-A.
Other names: short protein forms M1322I.
Identifiers: ClinVar variation 4140093 (VCV004140093.2).

ClinVar aggregate classification (germline): Uncertain significance. Review status: criteria provided, multiple submitters, no conflicts (2 of 4 stars). 2 submissions from 2 submitters: Uncertain significance (2). Last evaluated 2025-08-09.

Conditions:
PLXNA2-related disorder. Also called: PLXNA2-related condition.

Submissions (2):

Ambry Genetics
Classification: Uncertain significance. Last evaluated: 2025-08-09. Review status: criteria provided, single submitter. Criteria: Ambry Variant Classification Scheme 2023. Collection method: clinical testing. Allele origin: germline.

PreventionGenetics, part of Exact Sciences
Classification: Uncertain significance for PLXNA2-related condition. Last evaluated: 2025-03-20. Review status: criteria provided, single submitter. Criteria: ACMG Guidelines, 2015. Collection method: clinical testing. Allele origin: germline.
Comment: The PLXNA2 c.3966G>T variant is predicted to result in the amino acid substitution p.Met1322Ile. To our knowledge, this variant has not been reported in the literature. This variant is reported in 0.0040% of alleles in individuals of African descent in gnomAD. At this time, the clinical significance of this variant is uncertain due to the absence of conclusive functional and genetic evidence.